The following is an entry in ClinVar:

ClinVar aggregate classification (germline): Likely pathogenic (1 of 4 stars; one submission).

Conditions:
Intellectual disability. Also called: intellectual disabilities; Intellectual functioning disability; Intellectual developmental disorder. Identifiers: MedGen C3714756, MeSH D008607, MONDO:0001071, HP:0001249.

Submission:

Genetics Laboratory, UDIAT-Centre Diagnòstic, Hospital Universitari Parc Tauli
Classification: Likely pathogenic for Intellectual disability. Last evaluated: 2022-10-04. Review status: criteria provided, single submitter. Criteria: Parc Tauli Hospital Assertion Criteria 2021. Collection method: clinical testing. Allele origin: de novo. Inheritance: Autosomal dominant inheritance. Affected: yes.
Comment: PM1;PM2_supporting;PM6;PP2;PP3

NM_003601.4(SMARCA5):c.934A>G (p.Arg312Gly)

Gene: SMARCA5 (SNF2 related chromatin remodeling ATPase 5; plus strand). Cytogenetic location: 4q31.21.
Variant type: single nucleotide variant.
Coding change: c.934A>G on transcript NM_003601.4 (MANE Select); coding-DNA position 934, A replaced by G.
Protein change: p.Arg312Gly; replaces arginine 312 with glycine.
Molecular consequence: missense variant.
Genome position (GRCh38, 1-based): chr4:143,528,000, A>G. VCF-style: chr4-143528000-A-G. GRCh37 (hg19) VCF-style: chr4-144449153-A-G.
Other names: short protein forms R312G.
Identifiers: ClinVar variation 1708263 (VCV001708263.2), dbSNP rs2531485722, ClinGen allele CA358329691.
Genomic context (GRCh38, chr4:143,528,000, plus strand): 5'-AAAGAGAAGTCTGTGTTCAAAAAATTTAATTGGAGATACTTAGTAATAGATGAAGCTCAC[A>G]GGATCAAAAATGAAAAATCTAAGGTAATTTGATACTTAGATGTGAAAAGCCTTCATGTAA-3'
Protein context (NP_003592.3, residues 302-322): WRYLVIDEAH[Arg312Gly]IKNEKSKLSE